The following is an entry in ClinVar:

NM_183075.3(CYP2U1):c.1456+8A>G

Gene: CYP2U1 (cytochrome P450 family 2 subfamily U member 1; plus strand). Cytogenetic location: 4q25.
Variant type: single nucleotide variant.
Coding change: c.1456+8A>G on transcript NM_183075.3 (MANE Select); 8 bases into the intron after coding-DNA position 1456, A replaced by G.
Molecular consequence: intron variant.
Genome position (GRCh38, 1-based): chr4:107,949,525, A>G. VCF-style: chr4-107949525-A-G. GRCh37 (hg19) VCF-style: chr4-108870681-A-G.
Other names: p.?.
Identifiers: ClinVar variation 697938 (VCV000697938.10), dbSNP rs377737033, ClinGen allele CA3037204.
Genomic context (GRCh38, chr4:107,949,525, plus strand): 5'-GGATGACCAAGGACAACTAATTAAAAAAGAAACCTTTATTCCTTTTGGGATAGGTCAGTT[A>G]CACTTTTTTAAACTGCATAATTTTTAAAAGAAGTAGAACTAAAATAATATTTTATTATTT-3'

ClinVar aggregate classification (germline): Likely benign. Review status: criteria provided, multiple submitters, no conflicts (2 of 4 stars). 2 submissions from 2 submitters: Likely benign (2). Last evaluated 2025-11-21.

Conditions:
Spastic paraplegia. Identifiers: MedGen C0037772, HP:0001258.

Allele frequency attached by ClinVar (database versions not stated): gnomAD exomes 0.00002 and 0.00007; ExAC 0.00005; gnomAD 0.00006 and 0.00007; TOPMed 0.00006.
gnomAD v4.1: 62 of 1,531,454 alleles (0.004%); highest among the groups gnomAD compares: East Asian, 0.046%; 1 homozygote.

Submissions (2):

Labcorp Genetics (formerly Invitae), Labcorp
Classification: Likely benign for Spastic paraplegia. Last evaluated: 2025-11-21. Review status: criteria provided, single submitter. Criteria: Invitae Variant Classification Sherloc (09022015). Collection method: clinical testing. Allele origin: germline.

Mayo Clinic Laboratories, Mayo Clinic
Classification: Likely benign. Last evaluated: 2024-12-30. Review status: criteria provided, single submitter. Criteria: ACMG Guidelines, 2015. Collection method: clinical testing. Allele origin: germline. Observed: 1 variant allele.
Comment: BP4, BP7